The following is an entry in ClinVar:

NM_000444.6(PHEX):c.1474del (p.Leu492fs)

Genes: PHEX (phosphate regulating endopeptidase X-linked; plus strand), PHEX-AS1 (PHEX antisense RNA 1; minus strand). Cytogenetic location: Xp22.11.
Variant type: Deletion.
Coding change: c.1474del on transcript NM_000444.6 (MANE Select); coding-DNA position 1474, one base deleted (C; older notation c.1474delC).
Protein change: p.Leu492fs; shifts the reading frame from leucine 492.
Molecular consequence: frameshift variant.
Genome position (GRCh38, 1-based): chrX:22,168,381, C deleted; the last of 2 consecutive C bases (chrX:22,168,380-22,168,381); deleting either gives the same sequence. VCF-style (leftmost placement, unchanged base first): chrX-22168379-AC-A. GRCh37 (hg19) VCF-style: chrX-22186496-AC-A.
Other names: c.1474del, p.Leu492fs (NM_001282754.2); short protein forms L492fs.
Identifiers: ClinVar variation 2572637 (VCV002572637.1), dbSNP rs2518593316, ClinGen allele CA2580616905.

ClinVar aggregate classification (germline): Likely pathogenic (1 of 4 stars; one submission).

Conditions:
Familial X-linked hypophosphatemic vitamin D refractory rickets (XLHRD). Also called: X-Linked Hypophosphatemia; HYPOPHOSPHATEMIC VITAMIN D-RESISTANT RICKETS; Hypophosphatemia, vitamin D-resistant rickets; Vitamin D-resistant rickets, X-linked; Hypophosphatemic Rickets, X-Linked Dominant. Identifiers: Orphanet 89936, MedGen C0733682, MONDO:0010619, OMIM 307800.

Submission:

Laboratory of Medical Genetics, National & Kapodistrian University of Athens
Classification: Likely pathogenic for Familial X-linked hypophosphatemic vitamin D refractory rickets. Last evaluated: 2022-12-20. Review status: criteria provided, single submitter. Criteria: ACMG Guidelines, 2015. Collection method: clinical testing. Allele origin: maternal. Affected: yes.
Comment: PVS1, PM2